The following is an entry in ClinVar:

ClinVar aggregate classification (germline): Uncertain significance (1 of 4 stars; one submission).

Conditions:
Familial focal epilepsy with variable foci (FPEVF). Identifiers: Orphanet 98820, MedGen C1858477, MONDO:0020310.

Allele frequency attached by ClinVar (database versions not stated): ExAC 0.00001; gnomAD exomes 0.00001.
gnomAD v4.1: 8 of 1,612,496 alleles (0.0005%); highest among the groups gnomAD compares: East Asian, 0.013%; no homozygotes.

Submission:

Labcorp Genetics (formerly Invitae), Labcorp
Classification: Uncertain significance for Familial focal epilepsy with variable foci. Last evaluated: 2020-01-15. Review status: criteria provided, single submitter. Criteria: Invitae Variant Classification Sherloc (09022015). Collection method: clinical testing. Allele origin: germline.
Comment: In summary, the available evidence is currently insufficient to determine the role of this variant in disease. Therefore, it has been classified as a Variant of Uncertain Significance. Algorithms developed to predict the effect of missense changes on protein structure and function are either unavailable or do not agree on the potential impact of this missense change (SIFT: "Tolerated"; PolyPhen-2: "Not available"; Align-GVGD: "Class C0"). This variant has not been reported in the literature in individuals with DEPDC5-related disease. This variant is present in population databases (rs750296306, ExAC 0.002%). This sequence change replaces alanine with valine at codon 1071 of the DEPDC5 protein (p.Ala1071Val). The alanine residue is moderately conserved and there is a small physicochemical difference between alanine and valine.

NM_001242896.3(DEPDC5):c.3212C>T (p.Ala1071Val)

Gene: DEPDC5 (DEP domain containing 5, GATOR1 subcomplex subunit; plus strand). Cytogenetic location: 22q12.3.
Variant type: single nucleotide variant.
Coding change: c.3212C>T on transcript NM_001242896.3 (MANE Select); coding-DNA position 3212, C replaced by T.
Protein change: p.Ala1071Val; replaces alanine 1071 with valine.
Molecular consequence: missense variant. On other transcripts: non-coding transcript variant (5).
Genome position (GRCh38, 1-based): chr22:31,857,501, C>T. VCF-style: chr22-31857501-C-T. GRCh37 (hg19) VCF-style: chr22-32253487-C-T.
Other names: c.3185C>T, p.Ala1062Val (NM_014662.6, NM_001136029.4, NM_001369903.1); c.2978C>T, p.Ala993Val (NM_001242897.2, NM_001363854.2, NM_001364319.2); c.3212C>T, p.Ala1071Val (NM_001363852.2, NM_001364318.2, NM_001364320.2); c.3128C>T, p.Ala1043Val (NM_001369901.1, NM_001369902.1); short protein forms A1062V, A1043V, A1071V, A993V.
Identifiers: ClinVar variation 643667 (VCV000643667.10), dbSNP rs750296306, ClinGen allele CA10196905.